The following is an entry in ClinVar:

ClinVar aggregate classification (germline): Likely benign. Review status: criteria provided, multiple submitters, no conflicts (2 of 4 stars). 2 submissions from 2 submitters: Likely benign (2). Last evaluated 2025-01-09.

gnomAD v4.1: 23 of 1,613,888 alleles (0.0014%); highest among the groups gnomAD compares: Middle Eastern, 0.049%; no homozygotes.

Submissions (2):

Labcorp Genetics (formerly Invitae), Labcorp
Classification: Likely benign. Last evaluated: 2025-01-09. Review status: criteria provided, single submitter. Criteria: Invitae Variant Classification Sherloc (09022015). Collection method: clinical testing. Allele origin: germline.

CeGaT Center for Human Genetics Tuebingen
Classification: Likely benign. Last evaluated: 2024-07-01. Review status: criteria provided, single submitter. Criteria: CeGaT Center For Human Genetics Tuebingen Variant Classification Criteria Version 2. Collection method: clinical testing. Allele origin: germline. Affected: yes. Observed: 1 variant allele.
Comment: ERCC5: BP4, BP7

NM_000123.4(ERCC5):c.3096C>T (p.Ser1032=)

Genes: BIVM-ERCC5 (BIVM-ERCC5 readthrough; plus strand), ERCC5 (ERCC excision repair 5, endonuclease; plus strand). Cytogenetic location: 13q33.1.
Variant type: single nucleotide variant.
Coding change: c.3096C>T on transcript NM_000123.4 (MANE Select); coding-DNA position 3096, C replaced by T.
Protein change: p.Ser1032=; no amino-acid change (serine 1032 retained).
Molecular consequence: synonymous variant.
Genome position (GRCh38, 1-based): chr13:102,875,438, C>T. VCF-style: chr13-102875438-C-T. GRCh37 (hg19) VCF-style: chr13-103527788-C-T.
Other names: c.4458C>T, p.Ser1486= (NM_001204425.2).
Identifiers: ClinVar variation 3257611 (VCV003257611.19).